The following is an entry in ClinVar:

NM_006231.4(POLE):c.58A>C (p.Ser20Arg)

Genes: POLE (DNA polymerase epsilon, catalytic subunit; minus strand), LOC130009266 (ATAC-STARR-seq lymphoblastoid silent region 5123; plus strand). Cytogenetic location: 12q24.33.
Variant type: single nucleotide variant.
Coding change: c.58A>C on transcript NM_006231.4 (MANE Select); coding-DNA position 58, A replaced by C.
Protein change: p.Ser20Arg; replaces serine 20 with arginine.
Molecular consequence: missense variant.
Genome position (GRCh38, 1-based): chr12:132,687,258, T>G on the plus strand (A>C on the coding strand, the complement: POLE is on the minus strand). VCF-style: chr12-132687258-T-G. GRCh37 (hg19) VCF-style: chr12-133263844-T-G.
Other names: short protein forms S20R.
Identifiers: ClinVar variation 652038 (VCV000652038.11), dbSNP rs1405389237, ClinGen allele CA387373301.

ClinVar aggregate classification (germline): Uncertain significance. Review status: criteria provided, multiple submitters, no conflicts (2 of 4 stars). 2 submissions from 2 submitters: Uncertain significance (2). Last evaluated 2022-05-09.

Conditions:
Hereditary cancer-predisposing syndrome. Also called: Neoplastic Syndromes, Hereditary; Tumor predisposition; Hereditary Cancer Syndrome; Hereditary neoplastic syndrome. Identifiers: Orphanet 140162, MedGen C0027672, MeSH D009386, MONDO:0015356.

Submissions (2):

Ambry Genetics
Classification: Uncertain significance for Hereditary cancer-predisposing syndrome. Last evaluated: 2022-05-09. Review status: criteria provided, single submitter. Criteria: Ambry Variant Classification Scheme 2023. Collection method: clinical testing. Allele origin: germline.
Comment: The p.S20R variant (also known as c.58A>C), located in coding exon 1 of the POLE gene, results from an A to C substitution at nucleotide position 58. The serine at codon 20 is replaced by arginine, an amino acid with dissimilar properties. This amino acid position is conserved. In addition, this alteration is predicted to be tolerated by in silico analysis. Since supporting evidence is limited at this time, the clinical significance of this alteration remains unclear.

Labcorp Genetics (formerly Invitae), Labcorp
Classification: Uncertain significance. Last evaluated: 2018-10-25. Review status: criteria provided, single submitter. Criteria: Invitae Variant Classification Sherloc (09022015). Collection method: clinical testing. Allele origin: germline.
Comment: This sequence change replaces serine with arginine at codon 20 of the POLE protein (p.Ser20Arg). The serine residue is weakly conserved and there is a moderate physicochemical difference between serine and arginine. The frequency data for this variant in the population databases is considered unreliable, as metrics indicate insufficient coverage at this position in the ExAC database. This variant has not been reported in the literature in individuals with POLE-related disease. Algorithms developed to predict the effect of missense changes on protein structure and function (SIFT, PolyPhen-2, Align-GVGD) all suggest that this variant is likely to be tolerated, but these predictions have not been confirmed by published functional studies and their clinical significance is uncertain. In summary, the available evidence is currently insufficient to determine the role of this variant in disease. Therefore, it has been classified as a Variant of Uncertain Significance.